The following is an entry in ClinVar:

ClinVar aggregate classification (germline): Pathogenic (0 of 4 stars; one submission).

Conditions:
Pyruvate dehydrogenase E1-alpha deficiency (PDHAD). Also called: ATAXIA, INTERMITTENT, WITH PYRUVATE DEHYDROGENASE DEFICIENCY; ATAXIA WITH LACTIC ACIDOSIS I; ATAXIA, INTERMITTENT, WITH ABNORMAL PYRUVATE METABOLISM; Ataxia, intermittent, with pyruvate dehydrogenase, or decarboxylase, deficiency. Identifiers: Orphanet 79243, MedGen C1839413, MONDO:0010717, OMIM 312170.

Submission:

PDHA1 Study Group, University Children’s Hospital, Paracelsus Medical University
Classification: Pathogenic for Pyruvate dehydrogenase E1-alpha deficiency. Last evaluated: 2024-10-15. Review status: no assertion criteria provided. Collection method: research. Allele origin: germline. Affected: yes. Observed: 2 variant alleles.
Comment: The NM_000284.3:c.1042_1045dup (p.Ala349GlyfsTer11) change is a frameshift variant in PDHA1 gene. This variant is predicted to escape nonsense-mediated decay (NMD). In total, 2 individuals were diagnosed with PDHA1-related Pyruvate dehydrogenase complex (PDHc) deficiency (MIM #312170). This variant has been identified in 2 unpublished cases from internal data. Last literature search: July 12, 2024. This variant is absent or extremely rare in population-based cohorts in the Genome Aggregation Database (gnomAD). Individuals harboring this variant presented with clinical features compatible with PDHA1-related PDHc deficiency. In summary, this variant meets criteria to be classified as pathogenic (P) for PDHA1-related PDHc deficiency based on the ACMG/AMP criteria applied: PVS1, PM2, PM7 (last assessment October 15, 2024).

Literature cited by the submitters: DOI 10.1093/brain/awaf430.

NM_000284.4(PDHA1):c.1042_1045dup (p.Ala349fs)

Gene: PDHA1 (pyruvate dehydrogenase E1 subunit alpha 1; plus strand). Cytogenetic location: Xp22.12.
Variant type: Duplication.
Coding change: c.1042_1045dup on transcript NM_000284.4 (MANE Select); coding-DNA positions 1042 to 1045, 4 bases duplicated (GATG; older notation c.1042_1045dupGATG).
Protein change: p.Ala349fs; shifts the reading frame from alanine 349.
Molecular consequence: frameshift variant.
Genome position (GRCh38, 1-based): chrX:19,359,522-19,359,525, GATG duplicated; duplicating any 4 consecutive bases within chrX:19,359,521-19,359,525 gives the same sequence; the c. name uses the placement nearest the transcript's 3' end. VCF-style (leftmost placement, unchanged base first): chrX-19359520-A-AGGAT. GRCh37 (hg19) VCF-style: chrX-19377638-A-AGGAT.
Other names: c.1156_1159dup, p.Ala387fs (NM_001173454.2); c.1063_1066dup, p.Ala356fs (NM_001173455.2); c.949_952dup, p.Ala318fs (NM_001173456.2); short protein forms A318fs, A349fs, A356fs, A387fs.
Identifiers: ClinVar variation 4070289 (VCV004070289.1).
Genomic context (GRCh38, chrX:19,359,520, plus strand): 5'-AACCTTTTACACTGTTACCTAATTTTTAGGAAATTGATGTGGAAGTGAGGAAGGAGATTG[A>AGGAT]GGATGCTGCCCAGTTTGCCACGGCCGATCCTGAGCCACCTTTGGAAGAGCTGGGCTACCA-3'